The following is an entry in ClinVar:

ClinVar aggregate classification (germline): Uncertain significance (1 of 4 stars; one submission).

Conditions:
Inborn genetic diseases. Identifiers: MedGen C0950123, MeSH D030342.

Submission:

Ambry Genetics
Classification: Uncertain significance for Inborn genetic diseases. Last evaluated: 2022-09-11. Review status: criteria provided, single submitter. Criteria: Ambry Variant Classification Scheme 2023. Collection method: clinical testing. Allele origin: germline.
Comment: The p.I1292L variant (also known as c.3874A>C), located in coding exon 21 of the ATR gene, results from an A to C substitution at nucleotide position 3874. The isoleucine at codon 1292 is replaced by leucine, an amino acid with highly similar properties. This amino acid position is conserved. In addition, this alteration is predicted to be tolerated by in silico analysis. Since supporting evidence is limited at this time, the clinical significance of this alteration remains unclear.

NM_001184.4(ATR):c.3874A>C (p.Ile1292Leu)

Gene: ATR (ATR checkpoint kinase; minus strand). Cytogenetic location: 3q23.
Variant type: single nucleotide variant.
Coding change: c.3874A>C on transcript NM_001184.4 (MANE Select); coding-DNA position 3874, A replaced by C.
Protein change: p.Ile1292Leu; replaces isoleucine 1292 with leucine.
Molecular consequence: missense variant.
Genome position (GRCh38, 1-based): chr3:142,535,151, T>G on the plus strand (A>C on the coding strand, the complement: ATR is on the minus strand). VCF-style: chr3-142535151-T-G. GRCh37 (hg19) VCF-style: chr3-142253993-T-G.
Other names: c.3682A>C, p.Ile1228Leu (NM_001354579.2); short protein forms I1292L, I1228L.
Identifiers: ClinVar variation 1735737 (VCV001735737.2), dbSNP rs747654205, ClinGen allele CA354806213.